The following is an entry in ClinVar:

NM_138615.3(DHX30):c.3202C>T (p.Arg1068Trp)

Gene: DHX30 (DExH-box helicase 30; plus strand). Cytogenetic location: 3p21.31.
Variant type: single nucleotide variant.
Coding change: c.3202C>T on transcript NM_138615.3 (MANE Select); coding-DNA position 3202, C replaced by T.
Protein change: p.Arg1068Trp; replaces arginine 1068 with tryptophan.
Molecular consequence: missense variant.
Genome position (GRCh38, 1-based): chr3:47,849,640, C>T. VCF-style: chr3-47849640-C-T. GRCh37 (hg19) VCF-style: chr3-47891130-C-T.
Other names: c.3118C>T, p.Arg1040Trp (NM_001330990.2); c.3085C>T, p.Arg1029Trp (NM_014966.4); short protein forms R1029W, R1068W, R1040W.
Identifiers: ClinVar variation 2337601 (VCV002337601.3), dbSNP rs1041793481, ClinGen allele CA73900215.

ClinVar aggregate classification (germline): Uncertain significance (1 of 4 stars; one submission).

Conditions:
Inborn genetic diseases. Identifiers: MedGen C0950123, MeSH D030342.

Allele frequency attached by ClinVar (database versions not stated): gnomAD exomes below 0.00001.
gnomAD v4.1: 11 of 1,614,082 alleles (0.00068%); highest among the groups gnomAD compares: East Asian, 0.0022%; no homozygotes.

Submission:

Ambry Genetics
Classification: Uncertain significance for Inborn genetic diseases. Last evaluated: 2026-05-14. Review status: criteria provided, single submitter. Criteria: Ambry Variant Classification Scheme 2023. Collection method: clinical testing. Allele origin: germline.
Comment: The c.3202C>T (p.R1068W) alteration is located in exon 21 (coding exon 19) of the DHX30 gene. This alteration results from a C to T substitution at nucleotide position 3202, causing the arginine (R) at amino acid position 1068 to be replaced by a tryptophan (W). Based on data from gnomAD, the T allele has an overall frequency of 0.003% (1/31406) total alleles studied. The highest observed frequency was 0.012% (1/8718) of African alleles. Based on insufficient or conflicting evidence, the clinical significance of this alteration remains unclear.